The following is an entry in ClinVar:

ClinVar aggregate classification (germline): Uncertain significance. Review status: criteria provided, multiple submitters, no conflicts (2 of 4 stars). 2 submissions from 2 submitters: Uncertain significance (2). Last evaluated 2025-04-09.

Conditions:
Paroxysmal nonkinesigenic dyskinesia. Also called: Paroxysmal non-kinesigenic dyskinesia. Identifiers: Orphanet 98810, MedGen C1869117, MONDO:0700088.
Inborn genetic diseases. Identifiers: MedGen C0950123, MeSH D030342.

Allele frequency attached by ClinVar (database versions not stated): TOPMed below 0.00001; gnomAD 0.00001; gnomAD exomes 0.00002.
gnomAD v4.1: 24 of 1,613,708 alleles (0.0015%); highest among the groups gnomAD compares: Non-Finnish European, 0.002%; no homozygotes.

Submissions (2):

Labcorp Genetics (formerly Invitae), Labcorp
Classification: Uncertain significance for Paroxysmal nonkinesigenic dyskinesia. Last evaluated: 2025-04-09. Review status: criteria provided, single submitter. Criteria: Invitae Variant Classification Sherloc (09022015). Collection method: clinical testing. Allele origin: germline.
Comment: This sequence change replaces alanine, which is neutral and non-polar, with glycine, which is neutral and non-polar, at codon 28 of the PNKD protein (p.Ala28Gly). This variant is not present in population databases (gnomAD no frequency). This variant has not been reported in the literature in individuals affected with PNKD-related conditions. ClinVar contains an entry for this variant (Variation ID: 569744). An algorithm developed to predict the effect of missense changes on protein structure and function (PolyPhen-2) suggests that this variant is likely to be tolerated. In summary, the available evidence is currently insufficient to determine the role of this variant in disease. Therefore, it has been classified as a Variant of Uncertain Significance.

Ambry Genetics
Classification: Uncertain significance for Inborn genetic diseases. Last evaluated: 2021-06-18. Review status: criteria provided, single submitter. Criteria: Ambry Variant Classification Scheme 2023. Collection method: clinical testing. Allele origin: germline.

NM_015488.5(PNKD):c.83C>G (p.Ala28Gly)

Gene: PNKD (PNKD metallo-beta-lactamase domain containing; plus strand). Cytogenetic location: 2q35.
Variant type: single nucleotide variant.
Coding change: c.83C>G on transcript NM_015488.5 (MANE Select); coding-DNA position 83, C replaced by G.
Protein change: p.Ala28Gly; replaces alanine 28 with glycine.
Molecular consequence: missense variant.
Genome position (GRCh38, 1-based): chr2:218,271,396, C>G. VCF-style: chr2-218271396-C-G. GRCh37 (hg19) VCF-style: chr2-219136119-C-G.
Other names: c.83C>G, p.Ala28Gly (NM_001077399.3); short protein forms A28G.
Identifiers: ClinVar variation 569744 (VCV000569744.9), dbSNP rs767828489, ClinGen allele CA65747571.